The following is an entry in ClinVar:

ClinVar aggregate classification (germline): Uncertain significance (1 of 4 stars; one submission).

gnomAD v4.1: 1 of 1,613,944 alleles (0.000062%); highest among the groups gnomAD compares: Non-Finnish European, 0.000085%; no homozygotes.

Submission:

Labcorp Genetics (formerly Invitae), Labcorp
Classification: Uncertain significance. Last evaluated: 2022-05-06. Review status: criteria provided, single submitter. Criteria: Invitae Variant Classification Sherloc (09022015). Collection method: clinical testing. Allele origin: germline.
Comment: This sequence change replaces serine, which is neutral and polar, with phenylalanine, which is neutral and non-polar, at codon 1196 of the MYO7A protein (p.Ser1196Phe). This variant is not present in population databases (gnomAD no frequency). This variant has not been reported in the literature in individuals affected with MYO7A-related conditions. Advanced modeling of protein sequence and biophysical properties (such as structural, functional, and spatial information, amino acid conservation, physicochemical variation, residue mobility, and thermodynamic stability) performed at Invitae indicates that this missense variant is expected to disrupt MYO7A protein function. In summary, the available evidence is currently insufficient to determine the role of this variant in disease. Therefore, it has been classified as a Variant of Uncertain Significance.

NM_000260.4(MYO7A):c.3587C>T (p.Ser1196Phe)

Gene: MYO7A (myosin VIIA; plus strand). Cytogenetic location: 11q13.5.
Variant type: single nucleotide variant.
Coding change: c.3587C>T on transcript NM_000260.4 (MANE Select); coding-DNA position 3587, C replaced by T.
Protein change: p.Ser1196Phe; replaces serine 1196 with phenylalanine.
Molecular consequence: missense variant.
Genome position (GRCh38, 1-based): chr11:77,189,427, C>T. VCF-style: chr11-77189427-C-T. GRCh37 (hg19) VCF-style: chr11-76900472-C-T.
Other names: c.3587C>T, p.Ser1196Phe (NM_001127180.2); c.3554C>T, p.Ser1185Phe (NM_001369365.1); short protein forms S1185F, S1196F.
Identifiers: ClinVar variation 1910898 (VCV001910898.2), dbSNP rs1555090376, ClinGen allele CA381947001.